The following is an entry in ClinVar:

NM_206996.4(SPAG17):c.5669+7A>G

Gene: SPAG17 (sperm associated antigen 17; minus strand). Cytogenetic location: 1p12.
Variant type: single nucleotide variant.
Coding change: c.5669+7A>G on transcript NM_206996.4 (MANE Select); 7 bases into the intron after coding-DNA position 5669, A replaced by G.
Molecular consequence: intron variant.
Genome position (GRCh38, 1-based): chr1:117,987,827, T>C on the plus strand (A>G on the coding strand, the complement: SPAG17 is on the minus strand). VCF-style: chr1-117987827-T-C. GRCh37 (hg19) VCF-style: chr1-118530450-T-C.
Identifiers: ClinVar variation 3035518 (VCV003035518.2), dbSNP rs184368389, ClinGen allele CA1033029.

ClinVar aggregate classification (germline): Benign (0 of 4 stars; one submission).

Conditions:
SPAG17-related disorder. Also called: SPAG17-related condition.

Allele frequency attached by ClinVar (database versions not stated): ESP Exome Variant Server 0.00008; TOPMed 0.00050; 1000 Genomes Project 30x 0.00328; 1000 Genomes Project 0.00359.
gnomAD v4.1: 436 of 1,613,880 alleles (0.027%); highest among the groups gnomAD compares: East Asian, 0.65%; 5 homozygotes.

Submission:

PreventionGenetics, part of Exact Sciences
Classification: Benign for SPAG17-related condition. Last evaluated: 2019-03-11. Review status: no assertion criteria provided. Collection method: clinical testing. Allele origin: germline.
Comment: This variant is classified as benign based on ACMG/AMP sequence variant interpretation guidelines (Richards et al. 2015 PMID: 25741868, with internal and published modifications).